The following is an entry in ClinVar:

ClinVar aggregate classification (germline): Uncertain significance (1 of 4 stars; one submission).

Conditions:
Early-infantile DEE. Also called: Early infantile epileptic encephalopathy; Early infantile epileptic encephalopathy with suppression bursts; Ohtahara syndrome. Identifiers: Orphanet 1934, MedGen C0393706, MONDO:0800491.

Allele frequency attached by ClinVar (database versions not stated): gnomAD 0.00001; gnomAD exomes 0.00001.
gnomAD v4.1: 6 of 1,613,906 alleles (0.00037%); highest among the groups gnomAD compares: East Asian, 0.0022%; no homozygotes.

Submission:

Labcorp Genetics (formerly Invitae), Labcorp
Classification: Uncertain significance for Early-infantile DEE. Last evaluated: 2024-12-17. Review status: criteria provided, single submitter. Criteria: Invitae Variant Classification Sherloc (09022015). Collection method: clinical testing. Allele origin: germline.
Comment: This sequence change replaces arginine, which is basic and polar, with cysteine, which is neutral and slightly polar, at codon 2459 of the SPTAN1 protein (p.Arg2459Cys). This variant is present in population databases (no rsID available, gnomAD 0.006%). This variant has not been reported in the literature in individuals affected with SPTAN1-related conditions. ClinVar contains an entry for this variant (Variation ID: 530529). Invitae Evidence Modeling of protein sequence and biophysical properties (such as structural, functional, and spatial information, amino acid conservation, physicochemical variation, residue mobility, and thermodynamic stability) has been performed for this missense variant. However, the output from this modeling did not meet the statistical confidence thresholds required to predict the impact of this variant on SPTAN1 protein function. In summary, the available evidence is currently insufficient to determine the role of this variant in disease. Therefore, it has been classified as a Variant of Uncertain Significance.

NM_001130438.3(SPTAN1):c.7375C>T (p.Arg2459Cys)

Gene: SPTAN1 (spectrin alpha, non-erythrocytic 1; plus strand). Cytogenetic location: 9q34.11.
Variant type: single nucleotide variant.
Coding change: c.7375C>T on transcript NM_001130438.3 (MANE Select); coding-DNA position 7375, C replaced by T.
Protein change: p.Arg2459Cys; replaces arginine 2459 with cysteine.
Molecular consequence: missense variant.
Genome position (GRCh38, 1-based): chr9:128,633,275, C>T. VCF-style: chr9-128633275-C-T. GRCh37 (hg19) VCF-style: chr9-131395554-C-T.
Other names: c.7300C>T, p.Arg2434Cys (NM_001195532.2); c.7438C>T, p.Arg2480Cys (NM_001363759.2); c.7315C>T, p.Arg2439Cys (NM_001363765.2); c.7360C>T, p.Arg2454Cys (NM_003127.4); short protein forms R2459C, R2454C, R2480C, R2439C, R2434C.
Identifiers: ClinVar variation 530529 (VCV000530529.8), dbSNP rs1160694512, ClinGen allele CA375103748.